The following is an entry in ClinVar:

ClinVar aggregate classification (germline): Uncertain significance. Review status: criteria provided, multiple submitters, no conflicts (2 of 4 stars). 2 submissions from 2 submitters: Uncertain significance (2). Last evaluated 2026-02-22.

Conditions:
Familial thoracic aortic aneurysm and aortic dissection (TAAD). Also called: Thoracic aortic aneurysms and dissections. Identifiers: Orphanet 91387, MedGen C4707243, MONDO:0019625.

Submissions (2):

Ambry Genetics
Classification: Uncertain significance for Familial thoracic aortic aneurysm and aortic dissection. Last evaluated: 2026-02-22. Review status: criteria provided, single submitter. Criteria: Ambry Variant Classification Scheme 2023. Collection method: clinical testing. Allele origin: germline.
Comment: The p.P1251S variant (also known as c.3751C>T), located in coding exon 48 of the COL3A1 gene, results from a C to T substitution at nucleotide position 3751. The proline at codon 1251 is replaced by serine, an amino acid with similar properties. This amino acid position is conserved. In addition, this alteration is predicted to be deleterious by in silico analysis. Based on the available evidence, the clinical significance of this variant remains unclear.

Color Diagnostics, LLC DBA Color Health
Classification: Uncertain significance for Familial thoracic aortic aneurysm and aortic dissection. Last evaluated: 2025-10-27. Review status: criteria provided, single submitter. Criteria: ACMG Guidelines, 2015. Collection method: clinical testing. Allele origin: germline.
Comment: This missense variant replaces proline with serine at codon 1251 of the COL3A1 protein. Computational prediction suggests that this variant may have deleterious impact on protein structure and function. To our knowledge, functional studies have not been reported for this variant. This variant has not been reported in individuals affected with COL3A1-related disorders in the literature. This variant has not been identified in the general population by the Genome Aggregation Database (gnomAD). The available evidence is insufficient to determine the role of this variant in disease conclusively. Therefore, this variant is classified as a Variant of Uncertain Significance.

NM_000090.4(COL3A1):c.3751C>T (p.Pro1251Ser)

Gene: COL3A1 (collagen type III alpha 1 chain; plus strand). Cytogenetic location: 2q32.2.
Variant type: single nucleotide variant.
Coding change: c.3751C>T on transcript NM_000090.4 (MANE Select); coding-DNA position 3751, C replaced by T.
Protein change: p.Pro1251Ser; replaces proline 1251 with serine.
Molecular consequence: missense variant.
Genome position (GRCh38, 1-based): chr2:189,009,149, C>T. VCF-style: chr2-189009149-C-T. GRCh37 (hg19) VCF-style: chr2-189873875-C-T.
Other names: short protein forms P1251S.
Identifiers: ClinVar variation 4758175 (VCV004758175.2).
Genomic context (GRCh38, chr2:189,009,149, plus strand): 5'-ACCGATGAGATTATGACTTCACTCAAGTCTGTTAATGGACAAATAGAAAGCCTCATTAGT[C>T]CTGATGGTTCTCGTAAAAACCCCGCTAGAAACTGCAGAGACCTGAAATTCTGCCATCCTG-3'
Protein context (NP_000081.2, residues 1241-1261): VNGQIESLIS[Pro1251Ser]DGSRKNPARN